The following is an entry in ClinVar:

NM_001291415.2(KDM6A):c.3017C>T (p.Pro1006Leu)

Gene: KDM6A (lysine demethylase 6A; plus strand). Cytogenetic location: Xp11.3.
Variant type: single nucleotide variant.
Coding change: c.3017C>T on transcript NM_001291415.2 (MANE Select); coding-DNA position 3017, C replaced by T.
Protein change: p.Pro1006Leu; replaces proline 1006 with leucine.
Molecular consequence: missense variant. On other transcripts: non-coding transcript variant (1).
Genome position (GRCh38, 1-based): chrX:45,078,428, C>T. VCF-style: chrX-45078428-C-T. GRCh37 (hg19) VCF-style: chrX-44937673-C-T.
Other names: c.2882C>T, p.Pro961Leu (NM_001291416.2, NM_001419811.1); c.2726C>T, p.Pro909Leu (NM_001291417.2); c.2624C>T, p.Pro875Leu (NM_001291418.2, NM_001419815.1); c.1973C>T, p.Pro658Leu (NM_001291421.2); c.2759C>T, p.Pro920Leu (NM_001410742.1, NM_001419814.1); c.3017C>T, p.Pro1006Leu (NM_001419809.1); c.2915C>T, p.Pro972Leu (NM_001419810.1, NM_001419813.1); c.2861C>T, p.Pro954Leu (NM_001419812.1, NM_021140.4); short protein forms P1006L, P658L, P875L, P909L, P920L, P954L, P961L, P972L.
Identifiers: ClinVar variation 3373732 (VCV003373732.1).
Genomic context (GRCh38, chrX:45,078,428, plus strand): 5'-CTGAGATCTAACCACATATTTTAATTTTACAGTTGGAAAATAAACGTGATGCTTTCTTTC[C>T]TCCATTACATCAATTTTGTACAAATCCGAACAACCCTGTTACAGTAATACGTGGCCTTGC-3'
Protein context (NP_001278344.1, residues 996-1016): YLENKRDAFF[Pro1006Leu]PLHQFCTNPN

ClinVar aggregate classification (germline): Uncertain significance (1 of 4 stars; one submission).

Submission:

GeneDx
Classification: Uncertain significance. Last evaluated: 2024-03-05. Review status: criteria provided, single submitter. Criteria: GeneDx Variant Classification Process June 2021. Collection method: clinical testing. Allele origin: germline. Affected: yes.
Comment: Not observed at significant frequency in large population cohorts (gnomAD); In silico analysis supports that this missense variant has a deleterious effect on protein structure/function; Has not been previously published as pathogenic or benign to our knowledge